The following is an entry in ClinVar:

ClinVar aggregate classification (germline): Uncertain significance (1 of 4 stars; one submission).

Conditions:
Spermatogenic failure 18. Identifiers: MedGen C4539783, MONDO:0054615, OMIM 617576.
Ciliary dyskinesia, primary, 37 (CILD37). Also called: CILIARY DYSKINESIA, PRIMARY, 37, WITH OR WITHOUT SITUS INVERSUS. Identifiers: MedGen C4539798, MONDO:0033204, OMIM 617577.

Allele frequency attached by ClinVar (database versions not stated): ExAC 0.00003; gnomAD exomes 0.00003 and 0.00006; gnomAD 0.00004; TOPMed 0.00008; 1000 Genomes Project 30x 0.00031; 1000 Genomes Project 0.00040.
gnomAD v4.1: 48 of 1,612,866 alleles (0.003%); highest among the groups gnomAD compares: Admixed American, 0.042%; no homozygotes.

Submission:

Labcorp Genetics (formerly Invitae), Labcorp
Classification: Uncertain significance for Ciliary dyskinesia, primary, 37; Spermatogenic failure 18. Last evaluated: 2025-10-20. Review status: criteria provided, single submitter. Criteria: Invitae Variant Classification Sherloc (09022015). Collection method: clinical testing. Allele origin: germline.
Comment: This sequence change replaces arginine, which is basic and polar, with cysteine, which is neutral and slightly polar, at codon 95 of the DNAH1 protein (p.Arg95Cys). This variant is present in population databases (rs187716200, gnomAD 0.03%). This variant has not been reported in the literature in individuals affected with DNAH1-related conditions. ClinVar contains an entry for this variant (Variation ID: 952206). An algorithm developed to predict the effect of missense changes on protein structure and function (PolyPhen-2) suggests that this variant is likely to be disruptive. In summary, the available evidence is currently insufficient to determine the role of this variant in disease. Therefore, it has been classified as a Variant of Uncertain Significance.

NM_015512.5(DNAH1):c.283C>T (p.Arg95Cys)

Gene: DNAH1 (dynein axonemal heavy chain 1; plus strand). Cytogenetic location: 3p21.1.
Variant type: single nucleotide variant.
Coding change: c.283C>T on transcript NM_015512.5 (MANE Select); coding-DNA position 283, C replaced by T.
Protein change: p.Arg95Cys; replaces arginine 95 with cysteine.
Molecular consequence: missense variant.
Genome position (GRCh38, 1-based): chr3:52,322,725, C>T. VCF-style: chr3-52322725-C-T. GRCh37 (hg19) VCF-style: chr3-52356741-C-T.
Other names: short protein forms R95C.
Identifiers: ClinVar variation 952206 (VCV000952206.5), dbSNP rs187716200, ClinGen allele CA2432586.